The following is an entry in ClinVar:

ClinVar aggregate classification (germline): Benign. Review status: criteria provided, multiple submitters, no conflicts (2 of 4 stars). 15 submissions from 13 submitters: Benign (14). 1 of the submissions does not count toward it. Last evaluated 2026-02-04.

Conditions:
Dilated cardiomyopathy 1GG (CMD1GG). Identifiers: Orphanet 154, MedGen C3150898, MONDO:0013339, OMIM 613642.
Pheochromocytoma/paraganglioma syndrome 5. Also called: SDHA-Related Hereditary Paraganglioma-Pheochromocytoma Syndrome; Paragangliomas 5. Identifiers: Orphanet 29072, MedGen C3279992, MONDO:0013602, OMIM 614165.
Mitochondrial complex II deficiency, nuclear type 1. Also called: SUCCINATE CoQ REDUCTASE DEFICIENCY. Identifiers: Orphanet 3208, MedGen C5700310, MONDO:0100294, OMIM 252011.
Neurodegeneration with ataxia and late-onset optic atrophy. Identifiers: MedGen C5543254, MONDO:0031006, OMIM 619259.
Hereditary cancer-predisposing syndrome. Also called: Tumor predisposition; Hereditary neoplastic syndrome; Neoplastic Syndromes, Hereditary; Hereditary Cancer Syndrome. Identifiers: Orphanet 140162, MedGen C0027672, MeSH D009386, MONDO:0015356.
Hereditary pheochromocytoma and paraganglioma. Also called: Hereditary paragangliomas and pheochromocytomas; Hereditary pheochromocytoma-paraganglioma; Hereditary Paraganglioma-Pheochromocytoma Syndromes. Identifiers: Orphanet 29072, MedGen C4274332, MONDO:0017366.
Leigh syndrome (NULS). Also called: Leigh Disease; Subacute necrotizing encephalopathy; Necrotizing encephalopathy infantile subacute of Leigh; Leigh's necrotizing encephalopathy; Leigh's disease; Leigh's syndrome. Identifiers: Orphanet 506, MedGen C2931891, MONDO:0009723, OMIM 256000.

Allele frequency attached by ClinVar (database versions not stated): gnomAD exomes 0.01090 and 0.02739; ExAC 0.03240; gnomAD 0.09677 and 0.10356; TOPMed 0.11077; ESP Exome Variant Server 0.11233; 1000 Genomes Project 0.11362; 1000 Genomes Project 30x 0.11868.
gnomAD v4.1: 31,421 of 1,613,954 alleles (1.9%); highest among the groups gnomAD compares: African/African-American, 33%; 4,410 homozygotes.

Submissions (15):

Labcorp Genetics (formerly Invitae), Labcorp
Classification: Benign for Pheochromocytoma/paraganglioma syndrome 5; Mitochondrial complex II deficiency, nuclear type 1. Last evaluated: 2026-02-04. Review status: criteria provided, single submitter. Criteria: Invitae Variant Classification Sherloc (09022015). Collection method: clinical testing. Allele origin: germline.

CeGaT Center for Human Genetics Tuebingen
Classification: Benign. Last evaluated: 2025-10-01. Review status: criteria provided, single submitter. Criteria: CeGaT Center For Human Genetics Tuebingen Variant Classification Criteria Version 2. Collection method: clinical testing. Allele origin: germline. Affected: yes. Observed: 1 variant allele.
Comment: SDHA: BP4, BP7, BS1, BS2

Myriad Genetics, Inc.
Classification: Benign for Pheochromocytoma/paraganglioma syndrome 5. Last evaluated: 2025-03-07. Review status: criteria provided, single submitter. Criteria: Myriad Autosomal Dominant, Autosomal Recessive and X-Linked Classification Criteria (2023). Collection method: clinical testing. Allele origin: unknown.
Comment: This variant is considered benign. This variant is a silent/synonymous amino acid change and it is not expected to impact splicing.

KCCC/NGS Laboratory, Kuwait Cancer Control Center
Classification: Benign for Pheochromocytoma/paraganglioma syndrome 5. Last evaluated: 2023-07-07. Review status: criteria provided, single submitter. Criteria: ACMG Guidelines, 2015. Collection method: clinical testing. Allele origin: germline. Affected: yes.

Mayo Clinic Laboratories, Mayo Clinic
Classification: Benign. Last evaluated: 2022-03-23. Review status: criteria provided, single submitter. Criteria: ACMG Guidelines, 2015. Collection method: clinical testing. Allele origin: germline. Observed: 105 variant alleles.

Department of Pathology and Laboratory Medicine, Sinai Health System
Classification: Benign for Mitochondrial complex II deficiency, nuclear type 1; Dilated cardiomyopathy 1GG; Pheochromocytoma/paraganglioma syndrome 5; Neurodegeneration with ataxia and late-onset optic atrophy. Last evaluated: 2021-07-30. Review status: criteria provided, single submitter. Criteria: ACMG Guidelines, 2015. Collection method: clinical testing. Allele origin: germline. Affected: yes.

ARUP Laboratories, Molecular Genetics and Genomics, ARUP Laboratories
Classification: Benign. Last evaluated: 2019-03-28. Review status: criteria provided, single submitter. Criteria: ARUP Molecular Germline Variant Investigation Process. Collection method: clinical testing. Allele origin: germline.

Illumina Laboratory Services, Illumina
Classification: Benign for Leigh syndrome. Last evaluated: 2018-01-12. Review status: criteria provided, single submitter. Criteria: ICSL Variant Classification Criteria 13 December 2019. Collection method: clinical testing. Allele origin: germline.
Comment: This variant was observed in the ICSL laboratory as part of a predisposition screen in an ostensibly healthy population. It had not been previously curated by ICSL or reported in the Human Gene Mutation Database (HGMD: prior to June 1st, 2018), and was therefore a candidate for classification through an automated scoring system. Utilizing variant allele frequency, disease prevalence and penetrance estimates, and inheritance mode, an automated score was calculated to assess if this variant is too frequent to cause the disease. Based on the score and internal cut-off values, a variant classified as benign is not then subjected to further curation. The score for this variant resulted in a classification of benign for this disease.

Illumina Laboratory Services, Illumina
Classification: Benign for Hereditary Paraganglioma-Pheochromocytoma Syndromes. Last evaluated: 2018-01-12. Review status: criteria provided, single submitter. Criteria: ICSL Variant Classification Criteria 13 December 2019. Collection method: clinical testing. Allele origin: germline.
Comment: the same text as in the submission from Illumina Laboratory Services, Illumina above.

Illumina Laboratory Services, Illumina
Classification: Benign for Mitochondrial complex II deficiency, nuclear type 1. Last evaluated: 2018-01-12. Review status: criteria provided, single submitter. Criteria: ICSL Variant Classification Criteria 13 December 2019. Collection method: clinical testing. Allele origin: germline.
Comment: the same text as in the submission from Illumina Laboratory Services, Illumina above.

GeneDx
Classification: Benign. Last evaluated: 2015-10-28. Review status: criteria provided, single submitter. Criteria: GeneDx Variant Classification (06012015). Collection method: clinical testing. Allele origin: germline. Affected: yes.
Comment: This variant is considered likely benign or benign based on one or more of the following criteria: it is a conservative change, it occurs at a poorly conserved position in the protein, it is predicted to be benign by multiple in silico algorithms, and/or has population frequency not consistent with disease.

Ambry Genetics
Classification: Benign for Hereditary cancer-predisposing syndrome. Last evaluated: 2014-12-10. Review status: criteria provided, single submitter. Criteria: Ambry Variant Classification Scheme 2023. Collection method: clinical testing. Allele origin: germline.

Breakthrough Genomics
Classification: Benign. Review status: criteria provided, single submitter. Criteria: ACMG Guidelines, 2015. Collection method: not provided. Allele origin: germline. Inheritance: Autosomal recessive inheritance. Affected: yes.

PreventionGenetics, part of Exact Sciences
Classification: Benign. Review status: criteria provided, single submitter. Criteria: ACMG Guidelines, 2015. Collection method: clinical testing. Allele origin: germline.

Genetic Services Laboratory, University of Chicago
Classification: Likely benign for AllHighlyPenetrant. Review status: no assertion criteria provided. Collection method: clinical testing. Allele origin: germline. Not counted in ClinVar's aggregate classification.
Comment: Likely benign based on allele frequency in 1000 Genomes Project or ESP global frequency and its presence in a patient with a rare or unrelated disease phenotype. NOT Sanger confirmed.

NM_004168.4(SDHA):c.1170C>T (p.Phe390=)

Gene: SDHA (succinate dehydrogenase complex flavoprotein subunit A; plus strand). Cytogenetic location: 5p15.33.
Variant type: single nucleotide variant.
Coding change: c.1170C>T on transcript NM_004168.4 (MANE Select); coding-DNA position 1170, C replaced by T.
Protein change: p.Phe390=; no amino-acid change (phenylalanine 390 retained).
Molecular consequence: synonymous variant.
Genome position (GRCh38, 1-based): chr5:235,249, C>T. VCF-style: chr5-235249-C-T. GRCh37 (hg19) VCF-style: chr5-235364-C-T.
Other names: p.Phe390=; c.1026C>T, p.Phe342= (NM_001294332.2); c.1170C>T, p.Phe390= (NM_001330758.2).
Identifiers: ClinVar variation 130274 (VCV000130274.39), dbSNP rs35277230, ClinGen allele CA155144.